The following is an entry in ClinVar:

NM_002218.5(ITIH4):c.252-4C>G

Gene: ITIH4 (inter-alpha-trypsin inhibitor heavy chain 4; minus strand). Cytogenetic location: 3p21.1.
Variant type: single nucleotide variant.
Coding change: c.252-4C>G on transcript NM_002218.5 (MANE Select); 4 bases into the intron before coding-DNA position 252, C replaced by G.
Molecular consequence: intron variant.
Genome position (GRCh38, 1-based): chr3:52,827,201, G>C on the plus strand (C>G on the coding strand, the complement: ITIH4 is on the minus strand). VCF-style: chr3-52827201-G-C. GRCh37 (hg19) VCF-style: chr3-52861217-G-C.
Other names: c.252-4C>G (NM_001166449.2).
Identifiers: ClinVar variation 3051384 (VCV003051384.2), dbSNP rs756495740, ClinGen allele CA2449730.

ClinVar aggregate classification (germline): Likely benign (0 of 4 stars; one submission).

Conditions:
ITIH4-related disorder. Also called: ITIH4-related condition.

Allele frequency attached by ClinVar (database versions not stated): gnomAD exomes below 0.00001; ExAC 0.00001; gnomAD 0.00001; TOPMed 0.00001.
gnomAD v4.1: 7 of 1,610,838 alleles (0.00043%); highest among the groups gnomAD compares: African/African-American, 0.0013%; no homozygotes.

Submission:

PreventionGenetics, part of Exact Sciences
Classification: Likely benign for ITIH4-related condition. Last evaluated: 2020-03-03. Review status: no assertion criteria provided. Collection method: clinical testing. Allele origin: germline.
Comment: This variant is classified as likely benign based on ACMG/AMP sequence variant interpretation guidelines (Richards et al. 2015 PMID: 25741868, with internal and published modifications).